The following is an entry in ClinVar:

ClinVar aggregate classification (germline): Likely pathogenic (1 of 4 stars; one submission).

Submission:

GeneDx
Classification: Likely pathogenic. Last evaluated: 2024-04-30. Review status: criteria provided, single submitter. Criteria: GeneDx Variant Classification Process June 2021. Collection method: clinical testing. Allele origin: germline. Affected: yes.
Comment: Identified in a patient from a cohort of individuals with typical and atypical Cornelia de Lange Syndrome in published literature; however, further clinical information and segregation information were not provided (PMID: 37377026); Nonsense variant predicted to result in protein truncation or nonsense mediated decay in a gene for which loss of function is a known mechanism of disease; Not observed at significant frequency in large population cohorts (gnomAD); This variant is associated with the following publications: (PMID: 37377026)

NM_133433.4(NIPBL):c.6301C>T (p.Gln2101Ter)

Gene: NIPBL (NIPBL cohesin loading factor; plus strand). Cytogenetic location: 5p13.2.
Variant type: single nucleotide variant.
Coding change: c.6301C>T on transcript NM_133433.4 (MANE Select); coding-DNA position 6301, C replaced by T.
Protein change: p.Gln2101Ter; replaces glutamine 2101 with a stop codon.
Molecular consequence: nonsense.
Genome position (GRCh38, 1-based): chr5:37,044,687, C>T. VCF-style: chr5-37044687-C-T. GRCh37 (hg19) VCF-style: chr5-37044789-C-T.
Other names: c.6301C>T, p.Gln2101Ter (NM_015384.5); short protein forms Q2101*.
Identifiers: ClinVar variation 3375971 (VCV003375971.1).